The following is an entry in ClinVar:

NM_016593.5(CYP39A1):c.907A>C (p.Ile303Leu)

Gene: CYP39A1 (cytochrome P450 family 39 subfamily A member 1; minus strand). Cytogenetic location: 6p12.3.
Variant type: single nucleotide variant.
Coding change: c.907A>C on transcript NM_016593.5 (MANE Select); coding-DNA position 907, A replaced by C.
Protein change: p.Ile303Leu; replaces isoleucine 303 with leucine.
Molecular consequence: missense variant.
Genome position (GRCh38, 1-based): chr6:46,625,442, T>G on the plus strand (A>C on the coding strand, the complement: CYP39A1 is on the minus strand). VCF-style: chr6-46625442-T-G. GRCh37 (hg19) VCF-style: chr6-46593179-T-G.
Other names: c.847A>C, p.Ile283Leu (NM_001278738.2); c.391A>C, p.Ile131Leu (NM_001278739.2); short protein forms I131L, I283L, I303L.
Identifiers: ClinVar variation 4820744 (VCV004820744.4).

ClinVar aggregate classification (germline): Likely benign (1 of 4 stars; one submission).

Submission:

CeGaT Center for Human Genetics Tuebingen
Classification: Likely benign. Last evaluated: 2026-03-01. Review status: criteria provided, single submitter. Criteria: CeGaT Center For Human Genetics Tuebingen Variant Classification Criteria Version 2. Collection method: clinical testing. Allele origin: germline. Affected: yes. Observed: 1 variant allele.
Comment: CYP39A1: BP4, BS2